The following is an entry in ClinVar:

NM_024529.5(CDC73):c.128G>T (p.Trp43Leu)

Gene: CDC73 (cell division cycle 73; plus strand). Cytogenetic location: 1q31.2.
Variant type: single nucleotide variant.
Coding change: c.128G>T on transcript NM_024529.5 (MANE Select); coding-DNA position 128, G replaced by T.
Protein change: p.Trp43Leu; replaces tryptophan 43 with leucine.
Molecular consequence: missense variant.
Genome position (GRCh38, 1-based): chr1:193,122,328, G>T. VCF-style: chr1-193122328-G-T. GRCh37 (hg19) VCF-style: chr1-193091458-G-T.
Other names: short protein forms W43L.
Identifiers: ClinVar variation 3893593 (VCV003893593.1).

ClinVar aggregate classification (germline): Uncertain significance (1 of 4 stars; one submission).

Submission:

GeneDx
Classification: Uncertain significance. Last evaluated: 2024-10-28. Review status: criteria provided, single submitter. Criteria: GeneDx Variant Classification Process June 2021. Collection method: clinical testing. Allele origin: germline. Affected: yes.
Comment: Not observed at significant frequency in large population cohorts (gnomAD); In silico analysis supports that this missense variant has a deleterious effect on protein structure/function; Has not been previously published as pathogenic or benign to our knowledge